The following is an entry in ClinVar:

NM_016373.4(WWOX):c.202G>T (p.Asp68Tyr)

Gene: WWOX (WW domain containing oxidoreductase; plus strand). Cytogenetic location: 16q23.1.
Variant type: single nucleotide variant.
Coding change: c.202G>T on transcript NM_016373.4 (MANE Select); coding-DNA position 202, G replaced by T.
Protein change: p.Asp68Tyr; replaces aspartic acid 68 with tyrosine.
Molecular consequence: missense variant. On other transcripts: 5 prime UTR variant (1), non-coding transcript variant (1).
Genome position (GRCh38, 1-based): chr16:78,109,807, G>T. VCF-style: chr16-78109807-G-T. GRCh37 (hg19) VCF-style: chr16-78143704-G-T.
Other names: c.-138G>T (NM_001291997.2); c.202G>T, p.Asp68Tyr (NM_130791.5); short protein forms D68Y.
Identifiers: ClinVar variation 1018815 (VCV001018815.7), dbSNP rs2032382985, ClinGen allele CA396842205.
Genomic context (GRCh38, chr16:78,109,807, plus strand): 5'-CACCTGTAGACCTGTCTTTCTTGTGTTTCAGATTTGCCATACGGATGGGAACAAGAAACT[G>T]ATGAGAACGGACAAGTGTTTTTTGTTGAGTAAGTGTCTGCAAAGAAACCACTCTCAGCTG-3'
Protein context (NP_057457.1, residues 58-78): DLPYGWEQET[Asp68Tyr]ENGQVFFVDH

ClinVar aggregate classification (germline): Uncertain significance (1 of 4 stars; one submission).

Conditions:
Developmental and epileptic encephalopathy, 1 (DEE1). Also called: Tonic spasms with clustering, arrest of psychomotor development and hypsarrhythmia on EEG; X-Linked Infantile Spasm Syndrome; X-linked infantile spasms; West's syndrome; OHTAHARA SYNDROME, X-LINKED; Epileptic encephalopathy, early infantile, 1. Identifiers: MedGen C3463992, MONDO:0010632, OMIM 308350. Disease mechanism: loss of function.
Autosomal recessive spinocerebellar ataxia 12. Also called: SPINOCEREBELLAR ATAXIA WITH MENTAL RETARDATION AND EPILEPSY. Identifiers: Orphanet 284282, MedGen C3280452, MONDO:0013687, OMIM 614322.

Allele frequency attached by ClinVar (database versions not stated): TOPMed below 0.00001.
gnomAD v4.1: 3 of 1,614,196 alleles (0.00019%); highest among the groups gnomAD compares: Non-Finnish European, 0.00025%; no homozygotes.

Submission:

Labcorp Genetics (formerly Invitae), Labcorp
Classification: Uncertain significance for Developmental and epileptic encephalopathy, 1; Autosomal recessive spinocerebellar ataxia 12. Last evaluated: 2020-12-22. Review status: criteria provided, single submitter. Criteria: Invitae Variant Classification Sherloc (09022015). Collection method: clinical testing. Allele origin: germline.
Comment: In summary, the available evidence is currently insufficient to determine the role of this variant in disease. Therefore, it has been classified as a Variant of Uncertain Significance. Algorithms developed to predict the effect of missense changes on protein structure and function are either unavailable or do not agree on the potential impact of this missense change (SIFT: "Not Available"; PolyPhen-2: "Probably Damaging"; Align-GVGD: "Not Available"). This variant has not been reported in the literature in individuals with WWOX-related conditions. This variant is not present in population databases (ExAC no frequency). This sequence change replaces aspartic acid with tyrosine at codon 68 of the WWOX protein (p.Asp68Tyr). The aspartic acid residue is highly conserved and there is a large physicochemical difference between aspartic acid and tyrosine.